The following is an entry in ClinVar:

NM_001165.5(BIRC3):c.1763G>A (p.Cys588Tyr)

Gene: BIRC3 (baculoviral IAP repeat containing 3; plus strand). Cytogenetic location: 11q22.2.
Variant type: single nucleotide variant.
Coding change: c.1763G>A on transcript NM_001165.5 (MANE Select); coding-DNA position 1763, G replaced by A.
Protein change: p.Cys588Tyr; replaces cysteine 588 with tyrosine.
Molecular consequence: missense variant.
Genome position (GRCh38, 1-based): chr11:102,337,050, G>A. VCF-style: chr11-102337050-G-A. GRCh37 (hg19) VCF-style: chr11-102207781-G-A.
Other names: c.1763G>A, p.Cys588Tyr (NM_182962.3); short protein forms C588Y.
Identifiers: ClinVar variation 3906850 (VCV003906850.1).

ClinVar aggregate classification (germline): Likely pathogenic (1 of 4 stars; one submission).

Conditions:
Regional enteritis. Also called: Enteritis, Granulomatous. Identifiers: MedGen C0678202, MeSH D003424.

Submission:

Aleixo Muise Laboratory, Hospital For Sick Children
Classification: Likely pathogenic for Regional enteritis. Last evaluated: 2025-06-05. Review status: criteria provided, single submitter. Criteria: ACMG Guidelines, 2015. Collection method: research, in vitro. Allele origin: biparental, not applicable. Inheritance: Autosomal recessive inheritance. Affected: yes. Observed: 1 homozygote. Functional consequence: loss_of_function_variant.
Comment: PP3 - Computational evidence based on FATHMM-MKL, CADD v1.6, SIFT; PM2 - Based on data from gnomAD v4